The following is an entry in ClinVar:

ClinVar aggregate classification (germline): Uncertain significance (1 of 4 stars; one submission).

Conditions:
Peroxisome biogenesis disorder, complementation group K (CGK). Identifiers: MedGen C1866257, MONDO:0800365.

Allele frequency attached by ClinVar (database versions not stated): gnomAD exomes below 0.00001.
gnomAD v4.1: 1 of 1,609,516 alleles (0.000062%); highest among the groups gnomAD compares: South Asian, 0.0011%; no homozygotes.

Submission:

Labcorp Genetics (formerly Invitae), Labcorp
Classification: Uncertain significance for Peroxisome biogenesis disorder, complementation group K. Last evaluated: 2022-08-05. Review status: criteria provided, single submitter. Criteria: Invitae Variant Classification Sherloc (09022015). Collection method: clinical testing. Allele origin: germline.
Comment: This sequence change replaces glutamine, which is neutral and polar, with glutamic acid, which is acidic and polar, at codon 6 of the PEX14 protein (p.Gln6Glu). This variant is not present in population databases (gnomAD no frequency). This variant has not been reported in the literature in individuals affected with PEX14-related conditions. Algorithms developed to predict the effect of missense changes on protein structure and function are either unavailable or do not agree on the potential impact of this missense change (SIFT: "Tolerated"; PolyPhen-2: "Not Available"; Align-GVGD: "Class C0"). In summary, the available evidence is currently insufficient to determine the role of this variant in disease. Therefore, it has been classified as a Variant of Uncertain Significance.

NM_004565.3(PEX14):c.16C>G (p.Gln6Glu)

Gene: PEX14 (peroxisomal biogenesis factor 14; plus strand). Cytogenetic location: 1p36.22.
Variant type: single nucleotide variant.
Coding change: c.16C>G on transcript NM_004565.3 (MANE Select); coding-DNA position 16, C replaced by G.
Protein change: p.Gln6Glu; replaces glutamine 6 with glutamic acid.
Molecular consequence: missense variant.
Genome position (GRCh38, 1-based): chr1:10,474,982, C>G. VCF-style: chr1-10474982-C-G. GRCh37 (hg19) VCF-style: chr1-10535039-C-G.
Other names: short protein forms Q6E.
Identifiers: ClinVar variation 2413404 (VCV002413404.3), dbSNP rs2522558079, ClinGen allele CA338357138.